The following is an entry in ClinVar:

NM_000447.3(PSEN2):c.132T>A (p.Thr44=)

Gene: PSEN2 (presenilin 2; plus strand). Cytogenetic location: 1q42.13.
Variant type: single nucleotide variant.
Coding change: c.132T>A on transcript NM_000447.3 (MANE Select); coding-DNA position 132, T replaced by A.
Protein change: p.Thr44=; no amino-acid change (threonine 44 retained).
Molecular consequence: synonymous variant.
Genome position (GRCh38, 1-based): chr1:226,882,039, T>A. VCF-style: chr1-226882039-T-A. GRCh37 (hg19) VCF-style: chr1-227069740-T-A.
Other names: c.132T>A, p.Thr44= (NM_012486.3).
Identifiers: ClinVar variation 533780 (VCV000533780.16), dbSNP rs143227762, ClinGen allele CA1424394.

ClinVar aggregate classification (germline): Benign/Likely benign. Review status: criteria provided, multiple submitters, no conflicts (2 of 4 stars). 4 submissions from 3 submitters: Benign (2); Likely benign (2). Last evaluated 2025-10-01.

Conditions:
Alzheimer disease 4 (AD4). Identifiers: Orphanet 1020, MedGen C1847200, MONDO:0011743, OMIM 606889.
Dilated cardiomyopathy 1V (CMD1V). Identifiers: Orphanet 154, MedGen C3150958, MONDO:0013373, OMIM 613697.

Allele frequency attached by ClinVar (database versions not stated): gnomAD exomes 0.00036 and 0.00100; ExAC 0.00136; 1000 Genomes Project 0.00280; 1000 Genomes Project 30x 0.00344; gnomAD 0.00380 and 0.00413; TOPMed 0.00428; ESP Exome Variant Server 0.00461.
gnomAD v4.1: 1,117 of 1,613,968 alleles (0.069%); highest among the groups gnomAD compares: African/African-American, 1.4%; 6 homozygotes.

Submissions (4):

Labcorp Genetics (formerly Invitae), Labcorp
Classification: Benign for Alzheimer disease 4. Last evaluated: 2025-10-01. Review status: criteria provided, single submitter. Criteria: Invitae Variant Classification Sherloc (09022015). Collection method: clinical testing. Allele origin: germline.

Blueprint Genetics
Classification: Likely benign. Last evaluated: 2024-11-20. Review status: criteria provided, single submitter. Criteria: ACMG Guidelines, 2015. Collection method: clinical testing. Allele origin: germline.

Illumina Laboratory Services, Illumina
Classification: Benign for Alzheimer disease 4. Last evaluated: 2018-01-12. Review status: criteria provided, single submitter. Criteria: ICSL Variant Classification Criteria 13 December 2019. Collection method: clinical testing. Allele origin: germline.
Comment: This variant was observed in the ICSL laboratory as part of a predisposition screen in an ostensibly healthy population. It had not been previously curated by ICSL or reported in the Human Gene Mutation Database (HGMD: prior to June 1st, 2018), and was therefore a candidate for classification through an automated scoring system. Utilizing variant allele frequency, disease prevalence and penetrance estimates, and inheritance mode, an automated score was calculated to assess if this variant is too frequent to cause the disease. Based on the score and internal cut-off values, a variant classified as benign is not then subjected to further curation. The score for this variant resulted in a classification of benign for this disease.

Illumina Laboratory Services, Illumina
Classification: Likely benign for Dilated cardiomyopathy 1V. Last evaluated: 2018-01-12. Review status: criteria provided, single submitter. Criteria: ICSL Variant Classification Criteria 13 December 2019. Collection method: clinical testing. Allele origin: germline.
Comment: This variant was observed in the ICSL laboratory as part of a predisposition screen in an ostensibly healthy population. It had not been previously curated by ICSL or reported in the Human Gene Mutation Database (HGMD: prior to June 1st, 2018), and was therefore a candidate for classification through an automated scoring system. Utilizing variant allele frequency, disease prevalence and penetrance estimates, and inheritance mode, an automated score was calculated to assess if this variant is too frequent to cause the disease. Based on the score and internal cut-off values, a variant classified as likely benign is not then subjected to further curation. The score for this variant resulted in a classification of likely benign for this disease.